The following is an entry in ClinVar:

NM_001164508.2(NEB):c.12309G>C (p.Lys4103Asn)

Gene: NEB (nebulin; minus strand). Cytogenetic location: 2q23.3.
Variant type: single nucleotide variant.
Coding change: c.12309G>C on transcript NM_001164508.2 (MANE Select); coding-DNA position 12309, G replaced by C.
Protein change: p.Lys4103Asn; replaces lysine 4103 with asparagine.
Molecular consequence: missense variant.
Genome position (GRCh38, 1-based): chr2:151,609,830, C>G on the plus strand (G>C on the coding strand, the complement: NEB is on the minus strand). VCF-style: chr2-151609830-C-G. GRCh37 (hg19) VCF-style: chr2-152466344-C-G.
Other names: c.12309G>C, p.Lys4103Asn (NM_001164507.2, NM_001271208.2); c.11580G>C, p.Lys3860Asn (NM_004543.5); short protein forms K3860N, K4103N.
Identifiers: ClinVar variation 3573779 (VCV003573779.4).

ClinVar aggregate classification (germline): Uncertain significance. Review status: criteria provided, multiple submitters, no conflicts (2 of 4 stars). 3 submissions from 3 submitters: Uncertain significance (3). Last evaluated 2024-09-17.

Conditions:
Nemaline myopathy 2 (NEM2). Also called: Nemaline myopathy 2, autosomal recessive. Identifiers: MedGen C1850569, MONDO:0009725, OMIM 256030.

gnomAD v4.1: 13 of 1,595,100 alleles (0.00081%); highest among the groups gnomAD compares: South Asian, 0.013%; no homozygotes.

Submissions (3):

Labcorp Genetics (formerly Invitae), Labcorp
Classification: Uncertain significance for Nemaline myopathy 2. Last evaluated: 2024-09-17. Review status: criteria provided, single submitter. Criteria: Invitae Variant Classification Sherloc (09022015). Collection method: clinical testing. Allele origin: germline.
Comment: This sequence change replaces lysine, which is basic and polar, with asparagine, which is neutral and polar, at codon 4103 of the NEB protein (p.Lys4103Asn). This variant is present in population databases (rs571444956, gnomAD 0.004%). This variant has not been reported in the literature in individuals affected with NEB-related conditions. Experimental studies and prediction algorithms are not available or were not evaluated, and the functional significance of this variant is currently unknown. In summary, the available evidence is currently insufficient to determine the role of this variant in disease. Therefore, it has been classified as a Variant of Uncertain Significance.

GeneDx
Classification: Uncertain significance. Last evaluated: 2024-07-18. Review status: criteria provided, single submitter. Criteria: GeneDx Variant Classification Process June 2021. Collection method: clinical testing. Allele origin: germline. Affected: yes.
Comment: Not observed at significant frequency in large population cohorts (gnomAD); In silico analysis indicates that this missense variant does not alter protein structure/function; Has not been previously published as pathogenic or benign to our knowledge

Blueprint Genetics
Classification: Uncertain significance. Last evaluated: 2019-01-26. Review status: criteria provided, single submitter. Criteria: ACMG Guidelines, 2015. Collection method: clinical testing. Allele origin: germline.